The following is an entry in ClinVar:

ClinVar aggregate classification (germline): Uncertain significance. Review status: criteria provided, multiple submitters, no conflicts (2 of 4 stars). 2 submissions from 2 submitters: Uncertain significance (2). Last evaluated 2024-02-13.

Conditions:
Hereditary cancer-predisposing syndrome. Also called: Tumor predisposition; Hereditary neoplastic syndrome; Neoplastic Syndromes, Hereditary; Hereditary Cancer Syndrome. Identifiers: Orphanet 140162, MedGen C0027672, MeSH D009386, MONDO:0015356.
Gorlin syndrome. Also called: Nevoid Basal Cell Carcinoma Syndrome; Basal cell nevus syndrome. Identifiers: Orphanet 377, MedGen C0004779, MONDO:0007187.
Medulloblastoma (MDB). Also called: MEDULLOBLASTOMA PREDISPOSITION SYNDROME; Medulloblastoma, somatic. Identifiers: Orphanet 616, MedGen C0025149, MeSH D008527, MONDO:0007959, OMIM 155255, HP:0002885.

Allele frequency attached by ClinVar (database versions not stated): gnomAD exomes below 0.00001; TOPMed below 0.00001; gnomAD 0.00001.
gnomAD v4.1: 2 of 1,614,052 alleles (0.00012%); highest among the groups gnomAD compares: African/African-American, 0.0013%; no homozygotes.

Submissions (2):

Labcorp Genetics (formerly Invitae), Labcorp
Classification: Uncertain significance for Gorlin syndrome; Medulloblastoma. Last evaluated: 2024-02-13. Review status: criteria provided, single submitter. Criteria: Invitae Variant Classification Sherloc (09022015). Collection method: clinical testing. Allele origin: germline.
Comment: This sequence change replaces arginine, which is basic and polar, with glutamine, which is neutral and polar, at codon 393 of the SUFU protein (p.Arg393Gln). This variant is not present in population databases (gnomAD no frequency). This variant has not been reported in the literature in individuals affected with SUFU-related conditions. ClinVar contains an entry for this variant (Variation ID: 2561140). Advanced modeling of protein sequence and biophysical properties (such as structural, functional, and spatial information, amino acid conservation, physicochemical variation, residue mobility, and thermodynamic stability) performed at Invitae indicates that this missense variant is expected to disrupt SUFU protein function with a positive predictive value of 80%. In summary, the available evidence is currently insufficient to determine the role of this variant in disease. Therefore, it has been classified as a Variant of Uncertain Significance.

Ambry Genetics
Classification: Uncertain significance for Hereditary cancer-predisposing syndrome. Last evaluated: 2023-04-03. Review status: criteria provided, single submitter. Criteria: Ambry Variant Classification Scheme 2023. Collection method: clinical testing. Allele origin: germline.
Comment: The p.R393Q variant (also known as c.1178G>A), located in coding exon 10 of the SUFU gene, results from a G to A substitution at nucleotide position 1178. The arginine at codon 393 is replaced by glutamine, an amino acid with highly similar properties. This amino acid position is conserved. In addition, this alteration is predicted to be deleterious by in silico analysis. Since supporting evidence is limited at this time, the clinical significance of this alteration remains unclear.

NM_016169.4(SUFU):c.1178G>A (p.Arg393Gln)

Gene: SUFU (SUFU negative regulator of hedgehog signaling; plus strand). Cytogenetic location: 10q24.32.
Variant type: single nucleotide variant.
Coding change: c.1178G>A on transcript NM_016169.4 (MANE Select); coding-DNA position 1178, G replaced by A.
Protein change: p.Arg393Gln; replaces arginine 393 with glutamine.
Molecular consequence: missense variant.
Genome position (GRCh38, 1-based): chr10:102,617,310, G>A. VCF-style: chr10-102617310-G-A. GRCh37 (hg19) VCF-style: chr10-104377067-G-A.
Other names: c.1178G>A, p.Arg393Gln (NM_001178133.2); short protein forms R393Q.
Identifiers: ClinVar variation 2561140 (VCV002561140.5), dbSNP rs1055194219, ClinGen allele CA212241841.